The following is an entry in ClinVar:

ClinVar aggregate classification (germline): Uncertain significance (1 of 4 stars; one submission).

Conditions:
Early-infantile DEE. Also called: Ohtahara syndrome; Early infantile epileptic encephalopathy; Early infantile epileptic encephalopathy with suppression bursts. Identifiers: Orphanet 1934, MedGen C0393706, MONDO:0800491.

Submission:

Labcorp Genetics (formerly Invitae), Labcorp
Classification: Uncertain significance for Early-infantile DEE. Last evaluated: 2018-03-17. Review status: criteria provided, single submitter. Criteria: Invitae Variant Classification Sherloc (09022015). Collection method: clinical testing. Allele origin: germline.
Comment: In summary, the available evidence is currently insufficient to determine the role of this variant in disease. Therefore, it has been classified as a Variant of Uncertain Significance. Algorithms developed to predict the effect of missense changes on protein structure and function (SIFT, PolyPhen-2, Align-GVGD) all suggest that this variant is likely to be disruptive, but these predictions have not been confirmed by published functional studies and their clinical significance is uncertain. This variant has been reported in an individual affected with a mitochondrial abnormality (PMID: 26633542). This variant is not present in population databases (ExAC no frequency). This sequence change replaces phenylalanine with serine at codon 365 of the SCN1A protein (p.Phe365Ser). The phenylalanine residue is highly conserved and there is a large physicochemical difference between phenylalanine and serine. This variant identified in the SCN1A gene is located in the extracellular D1-P1 region of the resulting protein (PMID: 25348405, 18804930), but it is unclear how this variant impacts the function of this protein.

Literature cited by the submitters: PubMed 26633542; PubMed 25348405; PubMed 18804930.

NM_001165963.4(SCN1A):c.1094T>C (p.Phe365Ser)

Gene: SCN1A (sodium voltage-gated channel alpha subunit 1; minus strand). Cytogenetic location: 2q24.3.
Variant type: single nucleotide variant.
Coding change: c.1094T>C on transcript NM_001165963.4 (MANE Select); coding-DNA position 1094, T replaced by C.
Protein change: p.Phe365Ser; replaces phenylalanine 365 with serine.
Molecular consequence: missense variant. On other transcripts: 5 prime UTR variant (1), non-coding transcript variant (1).
Genome position (GRCh38, 1-based): chr2:166,047,703, A>G on the plus strand (T>C on the coding strand, the complement: SCN1A is on the minus strand). VCF-style: chr2-166047703-A-G. GRCh37 (hg19) VCF-style: chr2-166904213-A-G.
Other names: c.1094T>C, p.Phe365Ser (NM_001165964.3, NM_001202435.3, NM_001353948.2 and 10 more transcripts); c.-1332T>C (NM_001353961.2); short protein forms F365S.
Identifiers: ClinVar variation 206758 (VCV000206758.9), dbSNP rs1553547493, ClinGen allele CA317197.